The following is an entry in ClinVar:

NM_006466.4(POLR3F):c.434C>T (p.Ser145Leu)

Gene: POLR3F (RNA polymerase III subunit F; plus strand). Cytogenetic location: 20p11.23.
Variant type: single nucleotide variant.
Coding change: c.434C>T on transcript NM_006466.4 (MANE Select); coding-DNA position 434, C replaced by T.
Protein change: p.Ser145Leu; replaces serine 145 with leucine.
Molecular consequence: missense variant. On other transcripts: non-coding transcript variant (1), intron variant (1).
Genome position (GRCh38, 1-based): chr20:18,480,042, C>T. VCF-style: chr20-18480042-C-T. GRCh37 (hg19) VCF-style: chr20-18460686-C-T.
Other names: c.311C>T, p.Ser104Leu (NM_001282526.2); c.430-360C>T (NM_001410821.1); short protein forms S145L, S104L.
Identifiers: ClinVar variation 4719018 (VCV004719018.1).

ClinVar aggregate classification (germline): Uncertain significance (1 of 4 stars; one submission).

gnomAD v4.1: 1 of 1,598,470 alleles (0.000063%); highest among the groups gnomAD compares: Non-Finnish European, 0.000085%; no homozygotes.

Submission:

Labcorp Genetics (formerly Invitae), Labcorp
Classification: Uncertain significance. Last evaluated: 2025-06-05. Review status: criteria provided, single submitter. Criteria: Invitae Variant Classification Sherloc (09022015). Collection method: clinical testing. Allele origin: germline.
Comment: This sequence change replaces serine, which is neutral and polar, with leucine, which is neutral and non-polar, at codon 104 of the POLR3F protein (p.Ser104Leu). This variant is present in population databases (rs373798572, gnomAD 0.0009%). This variant has not been reported in the literature in individuals affected with POLR3F-related conditions. Experimental studies and prediction algorithms are not available or were not evaluated, and the functional significance of this variant is currently unknown. In summary, the available evidence is currently insufficient to determine the role of this variant in disease. Therefore, it has been classified as a Variant of Uncertain Significance.